The following is an entry in ClinVar:

NM_017886.4(ULK4):c.1288-9A>T

Gene: ULK4 (unc-51 like kinase 4; minus strand). Cytogenetic location: 3p22.1.
Variant type: single nucleotide variant.
Coding change: c.1288-9A>T on transcript NM_017886.4 (MANE Select); 9 bases into the intron before coding-DNA position 1288, A replaced by T.
Molecular consequence: intron variant.
Genome position (GRCh38, 1-based): chr3:41,898,501, T>A on the plus strand (A>T on the coding strand, the complement: ULK4 is on the minus strand). VCF-style: chr3-41898501-T-A. GRCh37 (hg19) VCF-style: chr3-41939993-T-A.
Other names: c.382-9A>T (NM_001322501.2); c.1288-9A>T (NM_001322500.2).
Identifiers: ClinVar variation 403588 (VCV000403588.5), dbSNP rs1625226, ClinGen allele CA2332366.

ClinVar aggregate classification (germline): Benign. Review status: criteria provided, multiple submitters, no conflicts (2 of 4 stars). 2 submissions from 2 submitters: Benign (2). Last evaluated 2016-03-29.

Allele frequency attached by ClinVar (database versions not stated): 1000 Genomes Project 0.69808; 1000 Genomes Project 30x 0.91755; TOPMed 0.91761; gnomAD 0.92191 and 0.92685; gnomAD exomes 0.93403 and 0.94936; ExAC 0.95464.
gnomAD v4.1: 1,275,977 of 1,348,298 alleles (95%); highest among the groups gnomAD compares: East Asian, 97%; 604,270 homozygotes.

Submissions (2):

Laboratory for Molecular Medicine, Mass General Brigham Personalized Medicine
Classification: Benign. Last evaluated: 2016-03-29. Review status: criteria provided, single submitter. Criteria: LMM Criteria. Collection method: clinical testing. Allele origin: germline.
Comment: Variant identified in a genome or exome case(s) and assessed due to predicted null impact of the variant or pathogenic assertions in the literature or databases. Disclaimer: This variant has not undergone full assessment. The following are preliminary notes: Frequency

Breakthrough Genomics
Classification: Benign. Review status: criteria provided, single submitter. Criteria: ACMG Guidelines, 2015. Collection method: not provided. Allele origin: germline. Inheritance: Unknown mechanism. Affected: yes.